The following is an entry in ClinVar:

ClinVar aggregate classification (germline): Uncertain significance (1 of 4 stars; one submission).

Allele frequency attached by ClinVar (database versions not stated): TOPMed 0.00001.

Submission:

Labcorp Genetics (formerly Invitae), Labcorp
Classification: Uncertain significance. Last evaluated: 2025-06-12. Review status: criteria provided, single submitter. Criteria: Invitae Variant Classification Sherloc (09022015). Collection method: clinical testing. Allele origin: germline.
Comment: This sequence change replaces threonine, which is neutral and polar, with isoleucine, which is neutral and non-polar, at codon 213 of the CRB2 protein (p.Thr213Ile). This variant is not present in population databases (gnomAD no frequency). This variant has not been reported in the literature in individuals affected with CRB2-related conditions. ClinVar contains an entry for this variant (Variation ID: 1349529). Invitae Evidence Modeling of protein sequence and biophysical properties (such as structural, functional, and spatial information, amino acid conservation, physicochemical variation, residue mobility, and thermodynamic stability) indicates that this missense variant is expected to disrupt CRB2 protein function with a positive predictive value of 95%. In summary, the available evidence is currently insufficient to determine the role of this variant in disease. Therefore, it has been classified as a Variant of Uncertain Significance.

NM_173689.7(CRB2):c.638C>T (p.Thr213Ile)

Gene: CRB2 (crumbs cell polarity complex component 2; plus strand). Cytogenetic location: 9q33.3.
Variant type: single nucleotide variant.
Coding change: c.638C>T on transcript NM_173689.7 (MANE Select); coding-DNA position 638, C replaced by T.
Protein change: p.Thr213Ile; replaces threonine 213 with isoleucine.
Molecular consequence: missense variant.
Genome position (GRCh38, 1-based): chr9:123,366,250, C>T. VCF-style: chr9-123366250-C-T. GRCh37 (hg19) VCF-style: chr9-126128529-C-T.
Other names: short protein forms T213I.
Identifiers: ClinVar variation 1349529 (VCV001349529.8), dbSNP rs2041930013, ClinGen allele CA374857438.
Genomic context (GRCh38, chr9:123,366,250, plus strand): 5'-AGGCGCGCGCTCAGCTCCGCCGGTGCGCCCTCCCCAGGTTCCGGTGCGACTGCGCGGGCA[C>T]CGGCTACGAGGGCACGCACTGCGAGCGGGAGGTGCTGGAGTGCGCATCGGCGCCCTGCGA-3'
Protein context (NP_775960.4, residues 203-223): VNGFRCDCAG[Thr213Ile]GYEGTHCERE